The following is an entry in ClinVar:

ClinVar aggregate classification (germline): Benign (1 of 4 stars; one submission).

Conditions:
Leukoencephalopathy-thalamus and brainstem anomalies-high lactate syndrome. Also called: LEUKOENCEPHALOPATHY WITH THALAMUS AND BRAINSTEM INVOLVEMENT AND HIGH LACTATE; Combined oxidative phosphorylation deficiency 12. Identifiers: Orphanet 314051, MedGen C4706421, MONDO:0013971, OMIM 614924.

Allele frequency attached by ClinVar (database versions not stated): gnomAD 0.00755 and 0.00787; TOPMed 0.00861; 1000 Genomes Project 0.00919; 1000 Genomes Project 30x 0.01093.

Submission:

Illumina Laboratory Services, Illumina
Classification: Benign for Leukoencephalopathy-thalamus and brainstem anomalies-high lactate syndrome. Last evaluated: 2018-01-12. Review status: criteria provided, single submitter. Criteria: ICSL Variant Classification Criteria 13 December 2019. Collection method: clinical testing. Allele origin: germline.
Comment: This variant was observed in the ICSL laboratory as part of a predisposition screen in an ostensibly healthy population. It had not been previously curated by ICSL or reported in the Human Gene Mutation Database (HGMD: prior to June 1st, 2018), and was therefore a candidate for classification through an automated scoring system. Utilizing variant allele frequency, disease prevalence and penetrance estimates, and inheritance mode, an automated score was calculated to assess if this variant is too frequent to cause the disease. Based on the score and internal cut-off values, a variant classified as benign is not then subjected to further curation. The score for this variant resulted in a classification of benign for this disease.

NM_001083614.2(EARS2):c.*1099A>G

Genes: EARS2 (glutamyl-tRNA synthetase 2, mitochondrial; minus strand), GGA2 (golgi associated, gamma adaptin ear containing, ARF binding protein 2; minus strand). Cytogenetic location: 16p12.2.
Variant type: single nucleotide variant.
Coding change: c.*1099A>G on transcript NM_001083614.2 (MANE Select); 1099 bases downstream of the stop codon, A replaced by G.
Molecular consequence: 3 prime UTR variant. On other transcripts: non-coding transcript variant (1).
Genome position (GRCh38, 1-based): chr16:23,523,272, T>C on the plus strand (A>G on the coding strand, the complement: EARS2 is on the minus strand). VCF-style: chr16-23523272-T-C. GRCh37 (hg19) VCF-style: chr16-23534593-T-C.
Identifiers: ClinVar variation 318525 (VCV000318525.5), dbSNP rs74014928, ClinGen allele CA10637400.